The following is an entry in ClinVar:

ClinVar aggregate classification (germline): Uncertain significance (1 of 4 stars; one submission).

Conditions:
Inborn genetic diseases. Identifiers: MedGen C0950123, MeSH D030342.

gnomAD v4.1: 1 of 1,614,112 alleles (0.000062%); highest among the groups gnomAD compares: African/African-American, 0.0013%; no homozygotes.

Submission:

Ambry Genetics
Classification: Uncertain significance for Inborn genetic diseases. Last evaluated: 2025-04-05. Review status: criteria provided, single submitter. Criteria: Ambry Variant Classification Scheme 2023. Collection method: clinical testing. Allele origin: germline.
Comment: The p.Y638H variant (also known as c.1912T>C), located in coding exon 8 of the MECOM gene, results from a T to C substitution at nucleotide position 1912. The tyrosine at codon 638 is replaced by histidine, an amino acid with similar properties. This amino acid position is conserved. In addition, this alteration is predicted to be tolerated by in silico analysis. Based on the available evidence, the clinical significance of this variant remains unclear.

NM_004991.4(MECOM):c.1912T>C (p.Tyr638His)

Gene: MECOM (MDS1 and EVI1 complex locus; minus strand). Cytogenetic location: 3q26.2.
Variant type: single nucleotide variant.
Coding change: c.1912T>C on transcript NM_004991.4 (MANE Select); coding-DNA position 1912, T replaced by C.
Protein change: p.Tyr638His; replaces tyrosine 638 with histidine.
Molecular consequence: missense variant. On other transcripts: intron variant (2).
Genome position (GRCh38, 1-based): chr3:169,115,960, A>G on the plus strand (T>C on the coding strand, the complement: MECOM is on the minus strand). VCF-style: chr3-169115960-A-G. GRCh37 (hg19) VCF-style: chr3-168833748-A-G.
Other names: c.1543T>C, p.Tyr515His (NM_001105077.4); c.1348T>C, p.Tyr450His (NM_001105078.4, NM_001164000.2, NM_001205194.2 and 4 more transcripts); c.1351T>C, p.Tyr451His (NM_001163999.2, NM_001366467.2, NM_001366468.2 and 1 more transcripts); c.1912T>C, p.Tyr638His (NM_001366466.2); c.1133-193T>C (NM_001366473.2); c.569-193T>C (NM_001366474.2); short protein forms Y450H, Y451H, Y515H, Y638H.
Identifiers: ClinVar variation 3293929 (VCV003293929.2).